The following is an entry in ClinVar:

NM_003764.4(STX11):c.*1845C>T

Gene: STX11 (syntaxin 11; plus strand). Cytogenetic location: 6q24.2.
Variant type: single nucleotide variant.
Coding change: c.*1845C>T on transcript NM_003764.4 (MANE Select); 1845 bases downstream of the stop codon, C replaced by T.
Molecular consequence: 3 prime UTR variant.
Genome position (GRCh38, 1-based): chr6:144,189,336, C>T. VCF-style: chr6-144189336-C-T. GRCh37 (hg19) VCF-style: chr6-144510473-C-T.
Identifiers: ClinVar variation 906978 (VCV000906978.4), dbSNP rs115419947, ClinGen allele CA149824170.
Genomic context (GRCh38, chr6:144,189,336, plus strand): 5'-CCTCCCAAAGTGCTGAGATTACAGGCCTGAGCCACTGACCCTGGCCAAATTTTTTTTCTA[C>T]TAGCTACTGAGGCTGCCACATCTGGATGGAACTGAGTGGAGGGGGAAAAGAATGAAAAAC-3'

ClinVar aggregate classification (germline): Likely benign (1 of 4 stars; one submission).

Conditions:
Familial hemophagocytic lymphohistiocytosis 4 (FHL4). Also called: STX11-Related Familial Hemophagocytic Lymphohistiocytosis (STX11-fHLH). Identifiers: Orphanet 540, MedGen C1863728, MONDO:0011336, OMIM 603552.

Allele frequency attached by ClinVar (database versions not stated): gnomAD 0.00608 and 0.00646; 1000 Genomes Project 0.00619; TOPMed 0.00662; 1000 Genomes Project 30x 0.00718.
gnomAD v4.1: 912 of 152,274 alleles (0.6%); highest among the groups gnomAD compares: African/African-American, 2.1%; 8 homozygotes.

Submission:

Illumina Laboratory Services, Illumina
Classification: Likely benign for Familial hemophagocytic lymphohistiocytosis 4. Last evaluated: 2018-01-12. Review status: criteria provided, single submitter. Criteria: ICSL Variant Classification Criteria 13 December 2019. Collection method: clinical testing. Allele origin: germline.
Comment: This variant was observed in the ICSL laboratory as part of a predisposition screen in an ostensibly healthy population. It had not been previously curated by ICSL or reported in the Human Gene Mutation Database (HGMD: prior to June 1st, 2018), and was therefore a candidate for classification through an automated scoring system. Utilizing variant allele frequency, disease prevalence and penetrance estimates, and inheritance mode, an automated score was calculated to assess if this variant is too frequent to cause the disease. Based on the score and internal cut-off values, a variant classified as likely benign is not then subjected to further curation. The score for this variant resulted in a classification of likely benign for this disease.